The following is an entry in ClinVar:

NM_021020.5(LZTS1):c.535A>G (p.Met179Val)

Gene: LZTS1 (leucine zipper tumor suppressor 1; minus strand). Cytogenetic location: 8p21.3.
Variant type: single nucleotide variant.
Coding change: c.535A>G on transcript NM_021020.5 (MANE Select); coding-DNA position 535, A replaced by G.
Protein change: p.Met179Val; replaces methionine 179 with valine.
Molecular consequence: missense variant.
Genome position (GRCh38, 1-based): chr8:20,253,396, T>C on the plus strand (A>G on the coding strand, the complement: LZTS1 is on the minus strand). VCF-style: chr8-20253396-T-C. GRCh37 (hg19) VCF-style: chr8-20110907-T-C.
Other names: c.535A>G, p.Met179Val (NM_001362884.2); short protein forms M179V.
Identifiers: ClinVar variation 2119704 (VCV002119704.4), dbSNP rs2486314112, ClinGen allele CA370478068.
Genomic context (GRCh38, chr8:20,253,396, plus strand): 5'-GTGTGACCAGCGGGTCCAGCTGGTAGCTGCTGCTGGTGCTGTGTGTGGGCAGGCTGGACA[T>C]GGAGTTCCGGCCGGAGTCTGACAGCGCCCCAGAGCACAGGCCAGGCTTCAGCTCCTGCTC-3'
Protein context (NP_066300.1, residues 169-189): GALSDSGRNS[Met179Val]SSLPTHSTSS

ClinVar aggregate classification (germline): Uncertain significance (1 of 4 stars; one submission).

Submission:

Labcorp Genetics (formerly Invitae), Labcorp
Classification: Uncertain significance. Last evaluated: 2022-08-20. Review status: criteria provided, single submitter. Criteria: Invitae Variant Classification Sherloc (09022015). Collection method: clinical testing. Allele origin: germline.
Comment: In summary, the available evidence is currently insufficient to determine the role of this variant in disease. Therefore, it has been classified as a Variant of Uncertain Significance. Algorithms developed to predict the effect of missense changes on protein structure and function are either unavailable or do not agree on the potential impact of this missense change (SIFT: "Tolerated"; PolyPhen-2: "Possibly Damaging"; Align-GVGD: "Class C0"). This variant has not been reported in the literature in individuals affected with LZTS1-related conditions. This variant is not present in population databases (gnomAD no frequency). This sequence change replaces methionine, which is neutral and non-polar, with valine, which is neutral and non-polar, at codon 179 of the LZTS1 protein (p.Met179Val).